The following is an entry in ClinVar:

ClinVar aggregate classification (germline): Uncertain significance (1 of 4 stars; one submission).

Submission:

Labcorp Genetics (formerly Invitae), Labcorp
Classification: Uncertain significance. Last evaluated: 2022-07-12. Review status: criteria provided, single submitter. Criteria: Invitae Variant Classification Sherloc (09022015). Collection method: clinical testing. Allele origin: germline.
Comment: This variant is not present in population databases (gnomAD no frequency). This sequence change falls in intron 3 of the PEX3 gene. It does not directly change the encoded amino acid sequence of the PEX3 protein. This variant has not been reported in the literature in individuals affected with PEX3-related conditions. ClinVar contains an entry for this variant (Variation ID: 1494096). Algorithms developed to predict the effect of sequence changes on RNA splicing suggest that this variant may disrupt the consensus splice site. In summary, the available evidence is currently insufficient to determine the role of this variant in disease. Therefore, it has been classified as a Variant of Uncertain Significance.

NM_003630.3(PEX3):c.288-6C>G

Gene: PEX3 (peroxisomal biogenesis factor 3; plus strand). Cytogenetic location: 6q24.2.
Variant type: single nucleotide variant.
Coding change: c.288-6C>G on transcript NM_003630.3 (MANE Select); 6 bases into the intron before coding-DNA position 288, C replaced by G.
Molecular consequence: intron variant.
Genome position (GRCh38, 1-based): chr6:143,468,116, C>G. VCF-style: chr6-143468116-C-G. GRCh37 (hg19) VCF-style: chr6-143789253-C-G.
Identifiers: ClinVar variation 1494096 (VCV001494096.6), dbSNP rs973425116, ClinGen allele CA2573140596.